The following is an entry in ClinVar:

ClinVar aggregate classification (germline): Uncertain significance. Review status: criteria provided, single submitter (1 of 4 stars). 2 submissions from 2 submitters: Uncertain significance (1). 1 of the submissions does not count toward it. Last evaluated 2025-09-11.

Conditions:
PLXNA2-related disorder. Also called: PLXNA2-related condition.

gnomAD v4.1: 95 of 1,614,034 alleles (0.0059%); highest among the groups gnomAD compares: Middle Eastern, 0.033%; no homozygotes.

Submissions (2):

Ambry Genetics
Classification: Uncertain significance. Last evaluated: 2025-09-11. Review status: criteria provided, single submitter. Criteria: Ambry Variant Classification Scheme 2023. Collection method: clinical testing. Allele origin: germline.

PreventionGenetics, part of Exact Sciences
Classification: Uncertain significance for PLXNA2-related condition. Last evaluated: 2024-06-27. Review status: no assertion criteria provided. Collection method: clinical testing. Allele origin: germline. Not counted in ClinVar's aggregate classification.
Comment: The PLXNA2 c.1012A>G variant is predicted to result in the amino acid substitution p.Ile338Val. To our knowledge, this variant has not been reported in the literature. This variant is reported in 0.0046% of alleles in individuals of European (Non-Finnish) descent in gnomAD. At this time, the clinical significance of this variant is uncertain due to the absence of conclusive functional and genetic evidence.

NM_025179.4(PLXNA2):c.1012A>G (p.Ile338Val)

Gene: PLXNA2 (plexin A2; minus strand). Cytogenetic location: 1q32.2.
Variant type: single nucleotide variant.
Coding change: c.1012A>G on transcript NM_025179.4 (MANE Select); coding-DNA position 1012, A replaced by G.
Protein change: p.Ile338Val; replaces isoleucine 338 with valine.
Molecular consequence: missense variant.
Genome position (GRCh38, 1-based): chr1:208,216,911, T>C on the plus strand (A>G on the coding strand, the complement: PLXNA2 is on the minus strand). VCF-style: chr1-208216911-T-C. GRCh37 (hg19) VCF-style: chr1-208390256-T-C.
Other names: short protein forms I338V.
Identifiers: ClinVar variation 3351646 (VCV003351646.2).